The following is an entry in ClinVar:

ClinVar aggregate classification (germline): Benign (1 of 4 stars; one submission).

Allele frequency attached by ClinVar (database versions not stated): 1000 Genomes Project 0.94189; 1000 Genomes Project 30x 0.94332; gnomAD 0.95354 and 0.95742; TOPMed 0.95651.
gnomAD v4.1: 145,084 of 152,150 alleles (95%); highest among the groups gnomAD compares: African/African-American, 99%; 69,240 homozygotes.

Submission:

GeneDx
Classification: Benign. Last evaluated: 2018-06-18. Review status: criteria provided, single submitter. Criteria: GeneDx Variant Classification (06012015). Collection method: clinical testing. Allele origin: germline. Affected: yes.
Comment: This variant is considered likely benign or benign based on one or more of the following criteria: it is a conservative change, it occurs at a poorly conserved position in the protein, it is predicted to be benign by multiple in silico algorithms, and/or has population frequency not consistent with disease.

NM_007327.4(GRIN1):c.570+263G>C

Gene: GRIN1 (glutamate ionotropic receptor NMDA type subunit 1; plus strand). Cytogenetic location: 9q34.3.
Variant type: single nucleotide variant.
Coding change: c.570+263G>C on transcript NM_007327.4 (MANE Select); 263 bases into the intron after coding-DNA position 570, G replaced by C.
Molecular consequence: intron variant.
Genome position (GRCh38, 1-based): chr9:137,146,165, G>C. VCF-style: chr9-137146165-G-C. GRCh37 (hg19) VCF-style: chr9-140040617-G-C.
Other names: c.570+263G>C (NM_001185090.2, NM_001185091.2, NM_021569.4 and 1 more transcripts).
Identifiers: ClinVar variation 683402 (VCV000683402.1), dbSNP rs9411312, ClinGen allele CA201731720.